The following is an entry in ClinVar:

NM_000426.4(LAMA2):c.4402C>T (p.Gln1468Ter)

Gene: LAMA2 (laminin subunit alpha 2; plus strand). Cytogenetic location: 6q22.33.
Variant type: single nucleotide variant.
Coding change: c.4402C>T on transcript NM_000426.4 (MANE Select); coding-DNA position 4402, C replaced by T.
Protein change: p.Gln1468Ter; replaces glutamine 1468 with a stop codon.
Molecular consequence: nonsense.
Genome position (GRCh38, 1-based): chr6:129,342,433, C>T. VCF-style: chr6-129342433-C-T. GRCh37 (hg19) VCF-style: chr6-129663578-C-T.
Other names: c.4402C>T, p.Gln1468Ter (NM_001079823.2); short protein forms Q1468*.
Identifiers: ClinVar variation 5015634 (VCV005015634.1).

ClinVar aggregate classification (germline): Pathogenic (1 of 4 stars; one submission).

Conditions:
LAMA2-related muscular dystrophy (LAMA2-RD). Also called: Laminin alpha 2-related dystrophy. Identifiers: MedGen C5679788, MONDO:0100228.

Submission:

Myriad Genetics, Inc.
Classification: Pathogenic for LAMA2-related muscular dystrophy. Last evaluated: 2026-03-04. Review status: criteria provided, single submitter. Criteria: Myriad Autosomal Dominant, Autosomal Recessive and X-Linked Classification Criteria (2023). Collection method: clinical testing. Allele origin: unknown.
Comment: NM_000426.3(LAMA2):c.4402C>T(Q1468*) is expected to be pathogenic in the context of muscular dystrophy, LAMA2-related. This variant is predicted to lead to an abnormal or absent protein product due to the creation of a premature termination codon in LAMA2, a gene where loss-of-function variants are known to be pathogenic. Please note: this variant was assessed in the context of healthy population screening.